The following is an entry in ClinVar:

NM_020207.7(ERCC6L2):c.1060C>T (p.Arg354Ter)

Gene: ERCC6L2 (ERCC excision repair 6 like 2; plus strand). Cytogenetic location: 9q22.32.
Variant type: single nucleotide variant.
Coding change: c.1060C>T on transcript NM_020207.7 (MANE Select); coding-DNA position 1060, C replaced by T.
Protein change: p.Arg354Ter; replaces arginine 354 with a stop codon.
Molecular consequence: nonsense. On other transcripts: non-coding transcript variant (1).
Genome position (GRCh38, 1-based): chr9:95,916,336, C>T. VCF-style: chr9-95916336-C-T. GRCh37 (hg19) VCF-style: chr9-98678618-C-T.
Other names: c.1060C>T, p.Arg354Ter (NM_001010895.4, NM_001375291.1, NM_001375292.1 and 2 more transcripts); short protein forms R354*.
Identifiers: ClinVar variation 4692330 (VCV004692330.1).

ClinVar aggregate classification (germline): Pathogenic (1 of 4 stars; one submission).

gnomAD v4.1: 6 of 1,613,624 alleles (0.00037%); highest among the groups gnomAD compares: Admixed American, 0.0033%; no homozygotes.

Submission:

Labcorp Genetics (formerly Invitae), Labcorp
Classification: Pathogenic. Last evaluated: 2025-02-20. Review status: criteria provided, single submitter. Criteria: Invitae Variant Classification Sherloc (09022015). Collection method: clinical testing. Allele origin: germline.
Comment: This sequence change creates a premature translational stop signal (p.Arg365*) in the ERCC6L2 gene. It is expected to result in an absent or disrupted protein product. Loss-of-function variants in ERCC6L2 are known to be pathogenic (PMID: 24507776, 27185855, 29146883, 29987015). This variant is present in population databases (rs748275173, gnomAD 0.006%). This variant has not been reported in the literature in individuals affected with ERCC6L2-related conditions. For these reasons, this variant has been classified as Pathogenic.

Literature cited by the submitters: PubMed 24507776; PubMed 27185855; PubMed 29146883; PubMed 29987015.